The following is an entry in ClinVar:

NM_012193.4(FZD4):c.874C>A (p.Leu292Ile)

Genes: FZD4 (frizzled class receptor 4; minus strand), PRSS23 (serine protease 23; plus strand). Cytogenetic location: 11q14.2.
Variant type: single nucleotide variant.
Coding change: c.874C>A on transcript NM_012193.4 (MANE Select); coding-DNA position 874, C replaced by A.
Protein change: p.Leu292Ile; replaces leucine 292 with isoleucine.
Molecular consequence: missense variant. On other transcripts: non-coding transcript variant (2).
Genome position (GRCh38, 1-based): chr11:86,951,882, G>T on the plus strand (C>A on the coding strand, the complement: FZD4 is on the minus strand). VCF-style: chr11-86951882-G-T. GRCh37 (hg19) VCF-style: chr11-86662924-G-T.
Other names: short protein forms L292I.
Identifiers: ClinVar variation 1713676 (VCV001713676.5), dbSNP rs2135040940, ClinGen allele CA382013956.

ClinVar aggregate classification (germline): Uncertain significance (1 of 4 stars; one submission).

Submission:

Labcorp Genetics (formerly Invitae), Labcorp
Classification: Uncertain significance. Last evaluated: 2022-07-24. Review status: criteria provided, single submitter. Criteria: Invitae Variant Classification Sherloc (09022015). Collection method: clinical testing. Allele origin: germline.
Comment: In summary, the available evidence is currently insufficient to determine the role of this variant in disease. Therefore, it has been classified as a Variant of Uncertain Significance. Algorithms developed to predict the effect of missense changes on protein structure and function are either unavailable or do not agree on the potential impact of this missense change (SIFT: "Deleterious"; PolyPhen-2: "Possibly Damaging"; Align-GVGD: "Class C0"). This variant has not been reported in the literature in individuals affected with FZD4-related conditions. This variant is not present in population databases (gnomAD no frequency). This sequence change replaces leucine, which is neutral and non-polar, with isoleucine, which is neutral and non-polar, at codon 292 of the FZD4 protein (p.Leu292Ile).